The following is an entry in ClinVar:

ClinVar aggregate classification (germline): Uncertain significance (1 of 4 stars; one submission).

Submission:

GeneDx
Classification: Uncertain significance. Last evaluated: 2026-02-19. Review status: criteria provided, single submitter. Criteria: GeneDx Variant Classification Process June 2021. Collection method: clinical testing. Allele origin: germline.
Comment: Not observed at significant frequency in large population cohorts (gnomAD); In silico analysis supports that this missense variant has a deleterious effect on protein structure/function; Has not been previously published as pathogenic or benign to our knowledge

NM_000292.3(PHKA2):c.2893G>A (p.Gly965Ser)

Gene: PHKA2 (phosphorylase kinase regulatory subunit alpha 2; minus strand). Cytogenetic location: Xp22.13.
Variant type: single nucleotide variant.
Coding change: c.2893G>A on transcript NM_000292.3 (MANE Select); coding-DNA position 2893, G replaced by A.
Protein change: p.Gly965Ser; replaces glycine 965 with serine.
Molecular consequence: missense variant.
Genome position (GRCh38, 1-based): chrX:18,905,773, C>T on the plus strand (G>A on the coding strand, the complement: PHKA2 is on the minus strand). VCF-style: chrX-18905773-C-T. GRCh37 (hg19) VCF-style: chrX-18923891-C-T.
Other names: c.2893G>A, p.Gly965Ser (NM_001440800.1, NM_001440801.1, NM_001440805.1); c.2794G>A, p.Gly932Ser (NM_001440802.1, NM_001440803.1, NM_001440804.1); short protein forms G965S, G932S.
Identifiers: ClinVar variation 5009831 (VCV005009831.1).